The following is an entry in ClinVar:

NM_000257.4(MYH7):c.4420G>C (p.Ala1474Pro)

Genes: MHRT (myosin heavy chain associated RNA transcript; plus strand), MYH7 (myosin heavy chain 7; minus strand). Cytogenetic location: 14q11.2.
Variant type: single nucleotide variant.
Coding change: c.4420G>C on transcript NM_000257.4 (MANE Select); coding-DNA position 4420, G replaced by C.
Protein change: p.Ala1474Pro; replaces alanine 1474 with proline.
Molecular consequence: missense variant. On other transcripts: non-coding transcript variant (1).
Genome position (GRCh38, 1-based): chr14:23,417,252, C>G on the plus strand (G>C on the coding strand, the complement: MYH7 is on the minus strand). VCF-style: chr14-23417252-C-G. GRCh37 (hg19) VCF-style: chr14-23886461-C-G.
Other names: c.4420G>C, p.Ala1474Pro (NM_001407004.1); short protein forms A1474P.
Identifiers: ClinVar variation 2704850 (VCV002704850.3), dbSNP rs529657543, ClinGen allele CA389038565.

ClinVar aggregate classification (germline): Uncertain significance (1 of 4 stars; one submission).

Conditions:
Hypertrophic cardiomyopathy. Also called: HYPERTROPHIC MYOCARDIOPATHY. Identifiers: Orphanet 217569, MedGen C0007194, MeSH D002312, MONDO:0005045, HP:0001639.

gnomAD v4.1: 2 of 1,614,182 alleles (0.00012%); highest among the groups gnomAD compares: Non-Finnish European, 0.00017%; no homozygotes.

Submission:

Labcorp Genetics (formerly Invitae), Labcorp
Classification: Uncertain significance for Hypertrophic cardiomyopathy. Last evaluated: 2024-01-03. Review status: criteria provided, single submitter. Criteria: Invitae Variant Classification Sherloc (09022015). Collection method: clinical testing. Allele origin: germline.
Comment: This sequence change replaces alanine, which is neutral and non-polar, with proline, which is neutral and non-polar, at codon 1474 of the MYH7 protein (p.Ala1474Pro). This variant is not present in population databases (gnomAD no frequency). This variant has not been reported in the literature in individuals affected with MYH7-related conditions. Advanced modeling of protein sequence and biophysical properties (such as structural, functional, and spatial information, amino acid conservation, physicochemical variation, residue mobility, and thermodynamic stability) performed at Invitae indicates that this missense variant is expected to disrupt MYH7 protein function with a positive predictive value of 95%. In summary, the available evidence is currently insufficient to determine the role of this variant in disease. Therefore, it has been classified as a Variant of Uncertain Significance.